The following is an entry in ClinVar:

ClinVar aggregate classification (germline): Uncertain significance. Review status: criteria provided, single submitter (1 of 4 stars). 2 submissions from 2 submitters: Uncertain significance (1). 1 of the submissions does not count toward it. Last evaluated 2023-12-21.

Conditions:
Inborn genetic diseases. Identifiers: MedGen C0950123, MeSH D030342.
SCAPER-related disorder. Also called: SCAPER-related condition.

Allele frequency attached by ClinVar (database versions not stated): TOPMed 0.00001; gnomAD exomes 0.00002; gnomAD 0.00003; ExAC 0.00004.
gnomAD v4.1: 31 of 1,606,554 alleles (0.0019%); highest among the groups gnomAD compares: Non-Finnish European, 0.0026%; no homozygotes.

Submissions (2):

Ambry Genetics
Classification: Uncertain significance for Inborn genetic diseases. Last evaluated: 2023-12-21. Review status: criteria provided, single submitter. Criteria: Ambry Variant Classification Scheme 2023. Collection method: clinical testing. Allele origin: germline.

PreventionGenetics, part of Exact Sciences
Classification: Uncertain significance for SCAPER-related condition. Last evaluated: 2024-08-30. Review status: no assertion criteria provided. Collection method: clinical testing. Allele origin: germline. Not counted in ClinVar's aggregate classification.
Comment: The SCAPER c.2962A>G variant is predicted to result in the amino acid substitution p.Ile988Val. To our knowledge, this variant has not been reported in the literature. This variant is reported in 0.0032% of alleles in individuals of European (Non-Finnish) descent in gnomAD. At this time, the clinical significance of this variant is uncertain due to the absence of conclusive functional and genetic evidence.

NM_020843.4(SCAPER):c.2944A>G (p.Ile982Val)

Gene: SCAPER (S-phase cyclin A associated protein in the ER; minus strand). Cytogenetic location: 15q24.3.
Variant type: single nucleotide variant.
Coding change: c.2944A>G on transcript NM_020843.4 (MANE Select); coding-DNA position 2944, A replaced by G.
Protein change: p.Ile982Val; replaces isoleucine 982 with valine.
Molecular consequence: missense variant. On other transcripts: non-coding transcript variant (1).
Genome position (GRCh38, 1-based): chr15:76,504,869, T>C on the plus strand (A>G on the coding strand, the complement: SCAPER is on the minus strand). VCF-style: chr15-76504869-T-C. GRCh37 (hg19) VCF-style: chr15-76797210-T-C.
Other names: c.2206A>G, p.Ile736Val (NM_001145923.2); c.2962A>G, p.Ile988Val (NM_001353009.2); c.2542A>G, p.Ile848Val (NM_001353010.2, NM_001353012.2); c.2560A>G, p.Ile854Val (NM_001353011.2); c.2962A>G (NM_001353009.1); short protein forms I736V, I854V, I848V, I988V, I982V.
Identifiers: ClinVar variation 3158288 (VCV003158288.2), dbSNP rs774654920, ClinGen allele CA7674578.